The following is an entry in ClinVar:

NM_000359.3(TGM1):c.635C>T (p.Ser212Phe)

Gene: TGM1 (transglutaminase 1; minus strand). Cytogenetic location: 14q12.
Variant type: single nucleotide variant.
Coding change: c.635C>T on transcript NM_000359.3 (MANE Select); coding-DNA position 635, C replaced by T.
Protein change: p.Ser212Phe; replaces serine 212 with phenylalanine.
Molecular consequence: missense variant.
Genome position (GRCh38, 1-based): chr14:24,260,572, G>A on the plus strand (C>T on the coding strand, the complement: TGM1 is on the minus strand). VCF-style: chr14-24260572-G-A. GRCh37 (hg19) VCF-style: chr14-24729778-G-A.
Other names: short protein forms S212F.
Identifiers: ClinVar variation 552052 (VCV000552052.10), dbSNP rs1555306304, ClinGen allele CA389272939.

ClinVar aggregate classification (germline): Conflicting classifications of pathogenicity. Review status: criteria provided, conflicting classifications (1 of 4 stars). 4 submissions from 4 submitters: Likely pathogenic (2); Uncertain significance (1). 1 of the submissions does not count toward it. Last evaluated 2025-03-10.

Conditions:
Autosomal recessive congenital ichthyosis 1 (LI1). Also called: ICHTHYOSIS CONGENITA; ICHTHYOSIS CONGENITA II; LAMELLAR EXFOLIATION OF NEWBORN; ICHTHYOSIS, CONGENITAL, AUTOSOMAL RECESSIVE 1, WITH BATHING SUIT DISTRIBUTION; ICHTHYOSIS, CONGENITAL, AUTOSOMAL RECESSIVE 1, WITH OR WITHOUT BATHING SUIT DISTRIBUTION; COLLODION FETUS. Identifiers: MedGen C4551630, MONDO:0009441, OMIM 242300.

Submissions (4):

Natera, Inc.
Classification: Likely pathogenic for Autosomal recessive congenital ichthyosis type 1. Last evaluated: 2025-03-10. Review status: criteria provided, single submitter. Criteria: Natera Variant Classification Schema (03/2026). Collection method: clinical testing. Allele origin: germline.
Comment: The c.635C>T variant in TGM1 is a missense variant predicted to cause substitution of serine to phenylalanine at amino acid 212. This variant is rare in the general population with a frequency below the threshold expected for the associated phenotype(s). This variant has been observed in one or more individuals affected with the associated recessive disease, as either homozygous or compound heterozygous with a second variant (PMID: 26220141). Additionally, this variant has been observed to segregate in affected family members (PMID: 26220141). Computational prediction algorithms indicate this variant is likely to affect gene or protein function. Given the available evidence, this variant is classified as Likely Pathogenic.

3billion
Classification: Uncertain significance for Autosomal recessive congenital ichthyosis 1. Last evaluated: 2025-03-06. Review status: criteria provided, single submitter. Criteria: ACMG Guidelines, 2015. Collection method: clinical testing. Allele origin: germline. Affected: yes.

Labcorp Genetics (formerly Invitae), Labcorp
Classification: Likely pathogenic. Last evaluated: 2023-05-19. Review status: criteria provided, single submitter. Criteria: Invitae Variant Classification Sherloc (09022015). Collection method: clinical testing. Allele origin: germline.
Comment: This sequence change replaces serine, which is neutral and polar, with phenylalanine, which is neutral and non-polar, at codon 212 of the TGM1 protein (p.Ser212Phe). This variant is not present in population databases (gnomAD no frequency). This missense change has been observed in individual(s) with TGM1-related conditions (PMID: 26220141). In at least one individual the data is consistent with being in trans (on the opposite chromosome) from a pathogenic variant. It has also been observed to segregate with disease in related individuals. ClinVar contains an entry for this variant (Variation ID: 552052). Advanced modeling of protein sequence and biophysical properties (such as structural, functional, and spatial information, amino acid conservation, physicochemical variation, residue mobility, and thermodynamic stability) performed at Invitae indicates that this missense variant is expected to disrupt TGM1 protein function. In summary, the currently available evidence indicates that the variant is pathogenic, but additional data are needed to prove that conclusively. Therefore, this variant has been classified as Likely Pathogenic.

Counsyl
Classification: Uncertain significance for Autosomal recessive congenital ichthyosis 1. Last evaluated: 2017-05-19. Review status: no assertion criteria provided. Collection method: clinical testing. Allele origin: unknown. Not counted in ClinVar's aggregate classification.

Literature cited by the submitters: PubMed 26220141 (cited by 3 submitters); PubMed 25154629 (cited by 3billion and Counsyl).